The following is an entry in ClinVar:

ClinVar aggregate classification (germline): Uncertain significance. Review status: criteria provided, multiple submitters, no conflicts (2 of 4 stars). 2 submissions from 2 submitters: Uncertain significance (2). Last evaluated 2024-08-24.

Conditions:
Inborn genetic diseases. Identifiers: MedGen C0950123, MeSH D030342.

Allele frequency attached by ClinVar (database versions not stated): gnomAD exomes below 0.00001 and 0.00001; ExAC 0.00001; TOPMed 0.00001; ESP Exome Variant Server 0.00008.

Submissions (2):

Labcorp Genetics (formerly Invitae), Labcorp
Classification: Uncertain significance. Last evaluated: 2024-08-24. Review status: criteria provided, single submitter. Criteria: Invitae Variant Classification Sherloc (09022015). Collection method: clinical testing. Allele origin: germline.
Comment: This sequence change replaces valine, which is neutral and non-polar, with alanine, which is neutral and non-polar, at codon 381 of the DNM1L protein (p.Val381Ala). This variant is present in population databases (rs149835088, gnomAD 0.006%). This variant has not been reported in the literature in individuals affected with DNM1L-related conditions. ClinVar contains an entry for this variant (Variation ID: 1356396). An algorithm developed to predict the effect of missense changes on protein structure and function (PolyPhen-2) suggests that this variant is likely to be disruptive. In summary, the available evidence is currently insufficient to determine the role of this variant in disease. Therefore, it has been classified as a Variant of Uncertain Significance.

Ambry Genetics
Classification: Uncertain significance for Inborn genetic diseases. Last evaluated: 2023-12-22. Review status: criteria provided, single submitter. Criteria: Ambry Variant Classification Scheme 2023. Collection method: clinical testing. Allele origin: germline.

NM_012062.5(DNM1L):c.1142T>C (p.Val381Ala)

Gene: DNM1L (dynamin 1 like; plus strand). Cytogenetic location: 12p11.21.
Variant type: single nucleotide variant.
Coding change: c.1142T>C on transcript NM_012062.5 (MANE Select); coding-DNA position 1142, T replaced by C.
Protein change: p.Val381Ala; replaces valine 381 with alanine.
Molecular consequence: missense variant.
Genome position (GRCh38, 1-based): chr12:32,731,076, T>C. VCF-style: chr12-32731076-T-C. GRCh37 (hg19) VCF-style: chr12-32884010-T-C.
Other names: c.1142T>C (NM_012062.3); c.1142T>C, p.Val381Ala (NM_001278463.2, NM_005690.5, NM_012063.4); c.1181T>C, p.Val394Ala (NM_001278464.2, NM_001278465.2, NM_001330380.2); c.533T>C, p.Val178Ala (NM_001278466.2); short protein forms V381A, V178A, V394A.
Identifiers: ClinVar variation 1356396 (VCV001356396.7), dbSNP rs149835088, ClinGen allele CA6507471.